The following is an entry in ClinVar:

NM_001378418.1(TCF20):c.5655+10A>T

Gene: TCF20 (transcription factor 20; minus strand). Cytogenetic location: 22q13.2.
Variant type: single nucleotide variant.
Coding change: c.5655+10A>T on transcript NM_001378418.1 (MANE Select); 10 bases into the intron after coding-DNA position 5655, A replaced by T.
Molecular consequence: intron variant.
Genome position (GRCh38, 1-based): chr22:42,209,641, T>A on the plus strand (A>T on the coding strand, the complement: TCF20 is on the minus strand). VCF-style: chr22-42209641-T-A. GRCh37 (hg19) VCF-style: chr22-42605647-T-A.
Other names: c.5655+10A>T (NM_005650.4, NM_181492.3).
Identifiers: ClinVar variation 3049912 (VCV003049912.3), dbSNP rs540373865, ClinGen allele CA10266433.

ClinVar aggregate classification (germline): Likely benign. Review status: criteria provided, single submitter (1 of 4 stars). 2 submissions from 2 submitters: Likely benign (1). 1 of the submissions does not count toward it. Last evaluated 2022-12-15.

Conditions:
TCF20-related disorder. Also called: TCF20-related condition.

Allele frequency attached by ClinVar (database versions not stated): TOPMed below 0.00001; ExAC 0.00001; gnomAD 0.00001; gnomAD exomes 0.00001; 1000 Genomes Project 30x 0.00016; 1000 Genomes Project 0.00020.
gnomAD v4.1: 20 of 1,576,128 alleles (0.0013%); highest among the groups gnomAD compares: Non-Finnish European, 0.0017%; no homozygotes.

Submissions (2):

Blueprint Genetics
Classification: Likely benign. Last evaluated: 2022-12-15. Review status: criteria provided, single submitter. Criteria: ACMG Guidelines, 2015. Collection method: clinical testing. Allele origin: germline.

PreventionGenetics, part of Exact Sciences
Classification: Likely benign for TCF20-related condition. Last evaluated: 2019-07-12. Review status: no assertion criteria provided. Collection method: clinical testing. Allele origin: germline. Not counted in ClinVar's aggregate classification.
Comment: This variant is classified as likely benign based on ACMG/AMP sequence variant interpretation guidelines (Richards et al. 2015 PMID: 25741868, with internal and published modifications).